The following is an entry in ClinVar:

NM_031935.3(HMCN1):c.305A>G (p.Lys102Arg)

Gene: HMCN1 (hemicentin 1; plus strand). Cytogenetic location: 1q31.1.
Variant type: single nucleotide variant.
Coding change: c.305A>G on transcript NM_031935.3 (MANE Select); coding-DNA position 305, A replaced by G.
Protein change: p.Lys102Arg; replaces lysine 102 with arginine.
Molecular consequence: missense variant.
Genome position (GRCh38, 1-based): chr1:185,846,062, A>G. VCF-style: chr1-185846062-A-G. GRCh37 (hg19) VCF-style: chr1-185815194-A-G.
Other names: short protein forms K102R.
Identifiers: ClinVar variation 3106232 (VCV003106232.2), dbSNP rs1362289754, ClinGen allele CA344058544.
Genomic context (GRCh38, chr1:185,846,062, plus strand): 5'-CCTATGTTATTTTTATCTTCACAGAAATTGGCCCAGTGACAATTACCACAGATCCCAAGA[A>G]ATTTCAATATGAACTCAGAGAACTGTATGTTCAGGTGAGTGCTTGCTTTCAGTGTTCTCT-3'
Protein context (NP_114141.2, residues 92-112): GPVTITTDPK[Lys102Arg]FQYELRELYV

ClinVar aggregate classification (germline): Uncertain significance. Review status: criteria provided, multiple submitters, no conflicts (2 of 4 stars). 2 submissions from 2 submitters: Uncertain significance (2). Last evaluated 2025-12-15.

Allele frequency attached by ClinVar (database versions not stated): gnomAD 0.00001; TOPMed 0.00001.

Submissions (2):

Labcorp Genetics (formerly Invitae), Labcorp
Classification: Uncertain significance. Last evaluated: 2025-12-15. Review status: criteria provided, single submitter. Criteria: Invitae Variant Classification Sherloc (09022015). Collection method: clinical testing. Allele origin: germline.
Comment: This sequence change replaces lysine, which is basic and polar, with arginine, which is basic and polar, at codon 102 of the HMCN1 protein (p.Lys102Arg). This variant is not present in population databases (gnomAD no frequency). This variant has not been reported in the literature in individuals affected with HMCN1-related conditions. ClinVar contains an entry for this variant (Variation ID: 3106232). An algorithm developed to predict the effect of missense changes on protein structure and function (PolyPhen-2) suggests that this variant is likely to be disruptive. In summary, the available evidence is currently insufficient to determine the role of this variant in disease. Therefore, it has been classified as a Variant of Uncertain Significance.

Ambry Genetics
Classification: Uncertain significance. Last evaluated: 2023-12-28. Review status: criteria provided, single submitter. Criteria: Ambry Variant Classification Scheme 2023. Collection method: clinical testing. Allele origin: germline.